The following is an entry in ClinVar:

NM_001943.5(DSG2):c.1557C>A (p.Asp519Glu)

Gene: DSG2 (desmoglein 2; plus strand). Cytogenetic location: 18q12.1.
Variant type: single nucleotide variant.
Coding change: c.1557C>A on transcript NM_001943.5 (MANE Select); coding-DNA position 1557, C replaced by A.
Protein change: p.Asp519Glu; replaces aspartic acid 519 with glutamic acid.
Molecular consequence: missense variant.
Genome position (GRCh38, 1-based): chr18:31,536,335, C>A. VCF-style: chr18-31536335-C-A. GRCh37 (hg19) VCF-style: chr18-29116298-C-A.
Other names: short protein forms D519E.
Identifiers: ClinVar variation 3610884 (VCV003610884.2).

ClinVar aggregate classification (germline): Uncertain significance. Review status: criteria provided, multiple submitters, no conflicts (2 of 4 stars). 2 submissions from 2 submitters: Uncertain significance (2). Last evaluated 2025-05-20.

Conditions:
Arrhythmogenic right ventricular dysplasia 10. Also called: Arrhythmogenic Right Ventricular Dysplasia/Cardiomyopathy10; ARRHYTHMOGENIC RIGHT VENTRICULAR DYSPLASIA, FAMILIAL, 10; Arrhythmogenic right ventricular dysplasia/cardiomyopathy, type 10. Identifiers: MedGen C1857777, MONDO:0012434, OMIM 610193.
Cardiomyopathy (CMYO). Also called: Cardiomyopathies. Identifiers: Orphanet 167848, MedGen C0878544, MONDO:0004994, HP:0001638. Inheritance: Various modes of inheritance.

gnomAD v4.1: 7 of 1,614,184 alleles (0.00043%); highest among the groups gnomAD compares: Non-Finnish European, 0.00059%; no homozygotes.

Submissions (2):

Color Diagnostics, LLC DBA Color Health
Classification: Uncertain significance for Cardiomyopathy. Last evaluated: 2025-05-20. Review status: criteria provided, single submitter. Criteria: ACMG Guidelines, 2015. Collection method: clinical testing. Allele origin: germline.
Comment: This missense variant replaces aspartic acid with glutamic acid at codon 519 of the DSG2 protein. Computational prediction is inconclusive regarding the impact of this variant on protein structure and function. To our knowledge, functional studies have not been reported for this variant. This variant has not been reported in individuals affected with DSG2-related disorders in the literature. This variant has been identified in 1/249444 chromosomes in the general population by the Genome Aggregation Database (gnomAD). The available evidence is insufficient to determine the role of this variant in disease conclusively. Therefore, this variant is classified as a Variant of Uncertain Significance.

Labcorp Genetics (formerly Invitae), Labcorp
Classification: Uncertain significance for Arrhythmogenic right ventricular dysplasia 10. Last evaluated: 2024-02-10. Review status: criteria provided, single submitter. Criteria: Invitae Variant Classification Sherloc (09022015). Collection method: clinical testing. Allele origin: germline.
Comment: This sequence change replaces aspartic acid, which is acidic and polar, with glutamic acid, which is acidic and polar, at codon 519 of the DSG2 protein (p.Asp519Glu). This variant is not present in population databases (gnomAD no frequency). This variant has not been reported in the literature in individuals affected with DSG2-related conditions. Advanced modeling of protein sequence and biophysical properties (such as structural, functional, and spatial information, amino acid conservation, physicochemical variation, residue mobility, and thermodynamic stability) performed at Invitae indicates that this missense variant is not expected to disrupt DSG2 protein function with a negative predictive value of 95%. In summary, the available evidence is currently insufficient to determine the role of this variant in disease. Therefore, it has been classified as a Variant of Uncertain Significance.